The following is an entry in ClinVar:

ClinVar aggregate classification (germline): Uncertain significance (1 of 4 stars; one submission).

Conditions:
Renal cell carcinoma. Identifiers: Orphanet 217071, MedGen C0007134, MeSH D002292, MONDO:0005086, HP:0005584.

Submission:

Labcorp Genetics (formerly Invitae), Labcorp
Classification: Uncertain significance for Renal cell carcinoma. Last evaluated: 2024-01-14. Review status: criteria provided, single submitter. Criteria: Invitae Variant Classification Sherloc (09022015). Collection method: clinical testing. Allele origin: germline.
Comment: This sequence change replaces glycine, which is neutral and non-polar, with cysteine, which is neutral and slightly polar, at codon 643 of the MET protein (p.Gly643Cys). This variant is not present in population databases (gnomAD no frequency). This variant has not been reported in the literature in individuals affected with MET-related conditions. Advanced modeling of protein sequence and biophysical properties (such as structural, functional, and spatial information, amino acid conservation, physicochemical variation, residue mobility, and thermodynamic stability) has been performed at Invitae for this missense variant, however the output from this modeling did not meet the statistical confidence thresholds required to predict the impact of this variant on MET protein function. In summary, the available evidence is currently insufficient to determine the role of this variant in disease. Therefore, it has been classified as a Variant of Uncertain Significance.

NM_000245.4(MET):c.1927G>T (p.Gly643Cys)

Gene: MET (MET proto-oncogene, receptor tyrosine kinase; plus strand). Cytogenetic location: 7q31.2.
Variant type: single nucleotide variant.
Coding change: c.1927G>T on transcript NM_000245.4 (MANE Select); coding-DNA position 1927, G replaced by T.
Protein change: p.Gly643Cys; replaces glycine 643 with cysteine.
Molecular consequence: missense variant.
Genome position (GRCh38, 1-based): chr7:116,757,501, G>T. VCF-style: chr7-116757501-G-T. GRCh37 (hg19) VCF-style: chr7-116397555-G-T.
Other names: c.1927G>T, p.Gly643Cys (NM_001127500.3, NM_001324401.3); c.637G>T, p.Gly213Cys (NM_001324402.2); short protein forms G213C, G643C.
Identifiers: ClinVar variation 2709317 (VCV002709317.3), dbSNP rs2485711177, ClinGen allele CA368979416.